The following is an entry in ClinVar:

NM_015213.4(DENND5A):c.1097A>G (p.Asn366Ser)

Gene: DENND5A (DENN domain containing 5A; minus strand). Cytogenetic location: 11p15.4.
Variant type: single nucleotide variant.
Coding change: c.1097A>G on transcript NM_015213.4 (MANE Select); coding-DNA position 1097, A replaced by G.
Protein change: p.Asn366Ser; replaces asparagine 366 with serine.
Molecular consequence: missense variant. On other transcripts: non-coding transcript variant (1).
Genome position (GRCh38, 1-based): chr11:9,193,534, T>C on the plus strand (A>G on the coding strand, the complement: DENND5A is on the minus strand). VCF-style: chr11-9193534-T-C. GRCh37 (hg19) VCF-style: chr11-9215081-T-C.
Other names: c.1097A>G, p.Asn366Ser (NM_001243254.2, NM_001348748.1); c.1025A>G, p.Asn342Ser (NM_001348749.2); c.809A>G, p.Asn270Ser (NM_001348750.2); short protein forms N342S, N366S, N270S.
Identifiers: ClinVar variation 2074975 (VCV002074975.4), dbSNP rs764208843, ClinGen allele CA5877686.
Genomic context (GRCh38, chr11:9,193,534, plus strand): 5'-ACCAACACTCAAGATCTCACCTCTTGAGGCAGCTCCAGCTTTGACCGGTCATCCAGGCCA[T>C]TGGAATGCAAACCCATCAGGTATGGAACAGGAGCATCTAAGAAATGCAGGAGAGAAGCTG-3'
Protein context (NP_056028.2, residues 356-376): PVPYLMGLHS[Asn366Ser]GLDDRSKLEL

ClinVar aggregate classification (germline): Uncertain significance. Review status: criteria provided, multiple submitters, no conflicts (2 of 4 stars). 2 submissions from 2 submitters: Uncertain significance (2). Last evaluated 2025-08-11.

Conditions:
Inborn genetic diseases. Identifiers: MedGen C0950123, MeSH D030342.

Allele frequency attached by ClinVar (database versions not stated): gnomAD 0.00003; TOPMed 0.00005.
gnomAD v4.1: 27 of 1,613,104 alleles (0.0017%); highest among the groups gnomAD compares: African/African-American, 0.012%; no homozygotes.

Submissions (2):

Labcorp Genetics (formerly Invitae), Labcorp
Classification: Uncertain significance. Last evaluated: 2025-08-11. Review status: criteria provided, single submitter. Criteria: Invitae Variant Classification Sherloc (09022015). Collection method: clinical testing. Allele origin: germline.
Comment: This sequence change replaces asparagine, which is neutral and polar, with serine, which is neutral and polar, at codon 366 of the DENND5A protein (p.Asn366Ser). This variant is present in population databases (rs764208843, gnomAD 0.01%). This variant has not been reported in the literature in individuals affected with DENND5A-related conditions. ClinVar contains an entry for this variant (Variation ID: 2074975). Invitae Evidence Modeling of protein sequence and biophysical properties (such as structural, functional, and spatial information, amino acid conservation, physicochemical variation, residue mobility, and thermodynamic stability) indicates that this missense variant is not expected to disrupt DENND5A protein function with a negative predictive value of 80%. In summary, the available evidence is currently insufficient to determine the role of this variant in disease. Therefore, it has been classified as a Variant of Uncertain Significance.

Ambry Genetics
Classification: Uncertain significance for Inborn genetic diseases. Last evaluated: 2020-11-09. Review status: criteria provided, single submitter. Criteria: Ambry Variant Classification Scheme 2023. Collection method: clinical testing. Allele origin: germline.
Comment: The c.1097A>G (p.N366S) alteration is located in exon 5 (coding exon 5) of the DENND5A gene. This alteration results from an A to G substitution at nucleotide position 1097, causing the asparagine (N) at amino acid position 366 to be replaced by a serine (S). Based on data from the Genome Aggregation Database (gnomAD) database, the DENND5A c.1097A>G alteration was observed in <0.01% (8/281696) of total alleles studied, with a frequency of 0.01% (3/24916) in the African subpopulation. This amino acid position is highly conserved in available vertebrate species. The p.N366S alteration is predicted to be tolerated by in silico analysis. Based on insufficient or conflicting evidence, the clinical significance of this alteration remains unclear.